The following is an entry in ClinVar:

NM_000965.5(RARB):c.683G>T (p.Cys228Phe)

Gene: RARB (retinoic acid receptor beta; plus strand). Cytogenetic location: 3p24.2.
Variant type: single nucleotide variant.
Coding change: c.683G>T on transcript NM_000965.5 (MANE Select); coding-DNA position 683, G replaced by T.
Protein change: p.Cys228Phe; replaces cysteine 228 with phenylalanine.
Molecular consequence: missense variant. On other transcripts: non-coding transcript variant (2).
Genome position (GRCh38, 1-based): chr3:25,580,619, G>T. VCF-style: chr3-25580619-G-T. GRCh37 (hg19) VCF-style: chr3-25622110-G-T.
Other names: c.704G>T, p.Cys235Phe (NM_001290216.3); c.347G>T, p.Cys116Phe (NM_001290217.2, NM_001290276.2, NM_016152.4); c.536G>T, p.Cys179Phe (NM_001290266.2); c.683G>T, p.Cys228Phe (NM_001290277.1); c.554G>T, p.Cys185Phe (NM_001290300.2); short protein forms C116F, C179F, C228F, C235F, C185F.
Identifiers: ClinVar variation 2841110 (VCV002841110.3), dbSNP rs2529761349, ClinGen allele CA351897074.
Genomic context (GRCh38, chr3:25,580,619, plus strand): 5'-ACCATCGAGTCCGACTGGACCTGGGCCTCTGGGACAAATTCAGTGAACTGGCCACCAAGT[G>T]CATTATTAAGATCGTGGAGTTTGCTAAACGTCTGCCTGGTTTCACTGGCTTGACCATCGC-3'
Protein context (NP_000956.2, residues 218-238): WDKFSELATK[Cys228Phe]IIKIVEFAKR

ClinVar aggregate classification (germline): Uncertain significance (1 of 4 stars; one submission).

Conditions:
Microphthalmia, syndromic 12 (MCOPS12). Also called: MICROPHTHALMIA WITH OR WITHOUT PULMONARY HYPOPLASIA, DIAPHRAGMATIC HERNIA, AND/OR CARDIAC DEFECTS. Identifiers: Orphanet 2470, Orphanet 689829, MedGen C3809803, MONDO:0014229, OMIM 615524.

Submission:

Labcorp Genetics (formerly Invitae), Labcorp
Classification: Uncertain significance for Microphthalmia, syndromic 12. Last evaluated: 2023-02-26. Review status: criteria provided, single submitter. Criteria: Invitae Variant Classification Sherloc (09022015). Collection method: clinical testing. Allele origin: germline.
Comment: In summary, the available evidence is currently insufficient to determine the role of this variant in disease. Therefore, it has been classified as a Variant of Uncertain Significance. Advanced modeling of protein sequence and biophysical properties (such as structural, functional, and spatial information, amino acid conservation, physicochemical variation, residue mobility, and thermodynamic stability) performed at Invitae indicates that this missense variant is not expected to disrupt RARB protein function. This variant has not been reported in the literature in individuals affected with RARB-related conditions. This variant is not present in population databases (gnomAD no frequency). This sequence change replaces cysteine, which is neutral and slightly polar, with phenylalanine, which is neutral and non-polar, at codon 228 of the RARB protein (p.Cys228Phe).